The following is an entry in ClinVar:

NM_000921.5(PDE3A):c.1358T>G (p.Leu453Trp)

Gene: PDE3A (phosphodiesterase 3A; plus strand). Cytogenetic location: 12p12.2.
Variant type: single nucleotide variant.
Coding change: c.1358T>G on transcript NM_000921.5 (MANE Select); coding-DNA position 1358, T replaced by G.
Protein change: p.Leu453Trp; replaces leucine 453 with tryptophan.
Molecular consequence: missense variant.
Genome position (GRCh38, 1-based): chr12:20,616,318, T>G. VCF-style: chr12-20616318-T-G. GRCh37 (hg19) VCF-style: chr12-20769252-T-G.
Other names: c.392T>G, p.Leu131Trp (NM_001244683.2, NM_001378409.1); c.1358T>G, p.Leu453Trp (NM_001378407.1); c.395T>G, p.Leu132Trp (NM_001378408.1); short protein forms L131W, L132W, L453W.
Identifiers: ClinVar variation 2504451 (VCV002504451.1), dbSNP rs2497987476, ClinGen allele CA384072458.

ClinVar aggregate classification (germline): Uncertain significance (1 of 4 stars; one submission).

Submission:

GeneDx
Classification: Uncertain significance. Last evaluated: 2022-11-30. Review status: criteria provided, single submitter. Criteria: GeneDx Variant Classification Process June 2021. Collection method: clinical testing. Allele origin: germline. Affected: yes.
Comment: Not observed at significant frequency in large population cohorts (gnomAD); In silico analysis supports that this missense variant has a deleterious effect on protein structure/function; Has not been previously published as pathogenic or benign to our knowledge